The following is an entry in ClinVar:

NM_001232.4(CASQ2):c.749G>T (p.Arg250Leu)

Gene: CASQ2 (calsequestrin 2; minus strand). Cytogenetic location: 1p13.1.
Variant type: single nucleotide variant.
Coding change: c.749G>T on transcript NM_001232.4 (MANE Select); coding-DNA position 749, G replaced by T.
Protein change: p.Arg250Leu; replaces arginine 250 with leucine.
Molecular consequence: missense variant.
Genome position (GRCh38, 1-based): chr1:115,725,542, C>A on the plus strand (G>T on the coding strand, the complement: CASQ2 is on the minus strand). VCF-style: chr1-115725542-C-A. GRCh37 (hg19) VCF-style: chr1-116268163-C-A.
Other names: short protein forms R250L.
Identifiers: ClinVar variation 1475828 (VCV001475828.10), dbSNP rs187306418, ClinGen allele CA1023764.

ClinVar aggregate classification (germline): Uncertain significance. Review status: criteria provided, multiple submitters, no conflicts (2 of 4 stars). 3 submissions from 3 submitters: Uncertain significance (3). Last evaluated 2025-12-20.

Conditions:
Catecholaminergic polymorphic ventricular tachycardia 2. Also called: VENTRICULAR TACHYCARDIA, STRESS-INDUCED POLYMORPHIC 2; CASQ2-Related Catecholaminergic Polymorphic Ventricular Tachycardia. Identifiers: Orphanet 3286, MedGen C2677794, MONDO:0012762, OMIM 611938.
Cardiovascular phenotype. Identifiers: MedGen CN230736.
Catecholaminergic polymorphic ventricular tachycardia 1. Also called: VENTRICULAR TACHYCARDIA, CATECHOLAMINERGIC POLYMORPHIC, 1, WITH OR WITHOUT ATRIAL DYSFUNCTION AND/OR DILATED CARDIOMYOPATHY; RYR2-Related Catecholaminergic Polymorphic Ventricular Tachycardia; VENTRICULAR TACHYCARDIA, STRESS-INDUCED POLYMORPHIC 1. Identifiers: Orphanet 3286, MedGen C1631597, MONDO:0011484, OMIM 604772.

Allele frequency attached by ClinVar (database versions not stated): ESP Exome Variant Server 0.00008; 1000 Genomes Project 0.00020; 1000 Genomes Project 30x 0.00031.
gnomAD v4.1: 6 of 1,487,926 alleles (0.0004%); highest among the groups gnomAD compares: East Asian, 0.0023%; no homozygotes.

Submissions (3):

Labcorp Genetics (formerly Invitae), Labcorp
Classification: Uncertain significance for Catecholaminergic polymorphic ventricular tachycardia 1. Last evaluated: 2025-12-20. Review status: criteria provided, single submitter. Criteria: Invitae Variant Classification Sherloc (09022015). Collection method: clinical testing. Allele origin: germline.
Comment: This sequence change replaces arginine, which is basic and polar, with leucine, which is neutral and non-polar, at codon 250 of the CASQ2 protein (p.Arg250Leu). The frequency data for this variant in the population databases is considered unreliable, as metrics indicate poor data quality at this position in the gnomAD database. This variant has not been reported in the literature in individuals affected with CASQ2-related conditions. ClinVar contains an entry for this variant (Variation ID: 1475828). Invitae Evidence Modeling of protein sequence and biophysical properties (such as structural, functional, and spatial information, amino acid conservation, physicochemical variation, residue mobility, and thermodynamic stability) has been performed for this missense variant. However, the output from this modeling did not meet the statistical confidence thresholds required to predict the impact of this variant on CASQ2 protein function. In summary, the available evidence is currently insufficient to determine the role of this variant in disease. Therefore, it has been classified as a Variant of Uncertain Significance.

Genome-Nilou Lab
Classification: Uncertain significance for Catecholaminergic polymorphic ventricular tachycardia 2. Last evaluated: 2023-04-11. Review status: criteria provided, single submitter. Criteria: ACMG Guidelines, 2015. Collection method: clinical testing. Allele origin: germline. Affected: no.

Ambry Genetics
Classification: Uncertain significance for Cardiovascular phenotype. Last evaluated: 2022-04-19. Review status: criteria provided, single submitter. Criteria: Ambry Variant Classification Scheme 2023. Collection method: clinical testing. Allele origin: germline.
Comment: The p.R250L variant (also known as c.749G>T), located in coding exon 7 of the CASQ2 gene, results from a G to T substitution at nucleotide position 749. The arginine at codon 250 is replaced by leucine, an amino acid with dissimilar properties. This amino acid position is highly conserved in available vertebrate species. In addition, this alteration is predicted to be deleterious by in silico analysis. Since supporting evidence is limited at this time, the clinical significance of this alteration remains unclear.